The following is an entry in ClinVar:

NM_000277.3(PAH):c.139G>T (p.Ala47Ser)

Gene: PAH (phenylalanine hydroxylase; minus strand). Cytogenetic location: 12q23.2.
Variant type: single nucleotide variant.
Coding change: c.139G>T on transcript NM_000277.3 (MANE Select); coding-DNA position 139, G replaced by T.
Protein change: p.Ala47Ser; replaces alanine 47 with serine.
Molecular consequence: missense variant.
Genome position (GRCh38, 1-based): chr12:102,912,820, C>A on the plus strand (G>T on the coding strand, the complement: PAH is on the minus strand). VCF-style: chr12-102912820-C-A. GRCh37 (hg19) VCF-style: chr12-103306598-C-A.
Other names: c.139G>T, p.Ala47Ser (NM_001354304.2); short protein forms A47S.
Identifiers: ClinVar variation 3907193 (VCV003907193.1).

ClinVar aggregate classification (germline): Uncertain significance (1 of 4 stars; one submission).

gnomAD v4.1: 3 of 1,613,354 alleles (0.00019%); highest among the groups gnomAD compares: South Asian, 0.0022%; no homozygotes.

Submission:

Women's Health and Genetics/Laboratory Corporation of America, LabCorp
Classification: Uncertain significance. Last evaluated: 2025-06-11. Review status: criteria provided, single submitter. Criteria: LabCorp Variant Classification Summary - May 2015. Collection method: clinical testing. Allele origin: germline.
Comment: Variant summary: PAH c.139G>T (p.Ala47Ser) results in a conservative amino acid change in the encoded protein sequence. Algorithms developed to predict the effect of missense changes on protein structure and function are either unavailable or do not agree on the potential impact of this missense change. The variant allele was found at a frequency of 4e-06 in 251416 control chromosomes. c.139G>T has been observed in one individual affected with Phenylalanine Hydroxylase Deficiency (Phenylketonuria) (Koch_1997). These data do not allow any conclusion about variant significance. A different variant affecting the same codon has been classified as likely pathogenic/pathogenic by our lab (c.140C>T, p.Ala47Val), supporting the critical relevance of codon 47 to PAH protein function. To our knowledge, no experimental evidence demonstrating an impact on protein function has been reported. The following publication has been ascertained in the context of this evaluation (PMID: 9169088). No submitters have cited clinical-significance assessments for this variant to ClinVar. Based on the evidence outlined above, the variant was classified as VUS-possibly pathogenic.

Literature cited by the submitters: PubMed 9169088.